The following is an entry in ClinVar:

ClinVar aggregate classification (germline): Uncertain significance (1 of 4 stars; one submission).

Allele frequency attached by ClinVar (database versions not stated): TOPMed below 0.00001; gnomAD 0.00003; gnomAD exomes 0.00005; ExAC 0.00011.
gnomAD v4.1: 75 of 1,613,754 alleles (0.0046%); highest among the groups gnomAD compares: South Asian, 0.077%; 1 homozygote.

Submission:

Labcorp Genetics (formerly Invitae), Labcorp
Classification: Uncertain significance. Last evaluated: 2022-04-16. Review status: criteria provided, single submitter. Criteria: Invitae Variant Classification Sherloc (09022015). Collection method: clinical testing. Allele origin: germline.
Comment: This sequence change replaces alanine, which is neutral and non-polar, with valine, which is neutral and non-polar, at codon 841 of the CCDC88C protein (p.Ala841Val). This variant is present in population databases (rs751644032, gnomAD 0.06%). This variant has not been reported in the literature in individuals affected with CCDC88C-related conditions. Algorithms developed to predict the effect of missense changes on protein structure and function output the following: SIFT: "Tolerated"; PolyPhen-2: "Benign"; Align-GVGD: "Class C0". The valine amino acid residue is found in multiple mammalian species, which suggests that this missense change does not adversely affect protein function. In summary, the available evidence is currently insufficient to determine the role of this variant in disease. Therefore, it has been classified as a Variant of Uncertain Significance.

NM_001080414.4(CCDC88C):c.2522C>T (p.Ala841Val)

Gene: CCDC88C (coiled-coil domain containing 88C; minus strand). Cytogenetic location: 14q32.11.
Variant type: single nucleotide variant.
Coding change: c.2522C>T on transcript NM_001080414.4 (MANE Select); coding-DNA position 2522, C replaced by T.
Protein change: p.Ala841Val; replaces alanine 841 with valine.
Molecular consequence: missense variant.
Genome position (GRCh38, 1-based): chr14:91,313,294, G>A on the plus strand (C>T on the coding strand, the complement: CCDC88C is on the minus strand). VCF-style: chr14-91313294-G-A. GRCh37 (hg19) VCF-style: chr14-91779638-G-A.
Other names: short protein forms A841V.
Identifiers: ClinVar variation 1927830 (VCV001927830.2), dbSNP rs751644032, ClinGen allele CA7309628.